The following is an entry in ClinVar:

ClinVar aggregate classification (germline): Pathogenic (1 of 4 stars; one submission).

Submission:

Labcorp Genetics (formerly Invitae), Labcorp
Classification: Pathogenic. Last evaluated: 2024-10-29. Review status: criteria provided, single submitter. Criteria: Invitae Variant Classification Sherloc (09022015). Collection method: clinical testing. Allele origin: germline.
Comment: This sequence change creates a premature translational stop signal (p.Tyr274*) in the DSG1 gene. It is expected to result in an absent or disrupted protein product. Loss-of-function variants in DSG1 are known to be pathogenic (PMID: 19018793, 23974871, 27534273, 27632246, 29604126). This variant is not present in population databases (gnomAD no frequency). This variant has not been reported in the literature in individuals affected with DSG1-related conditions. For these reasons, this variant has been classified as Pathogenic.

Literature cited by the submitters: PubMed 19018793; PubMed 23974871; PubMed 27534273; PubMed 27632246; PubMed 29604126.

NM_001942.4(DSG1):c.822T>A (p.Tyr274Ter)

Gene: DSG1 (desmoglein 1; plus strand). Cytogenetic location: 18q12.1.
Variant type: single nucleotide variant.
Coding change: c.822T>A on transcript NM_001942.4 (MANE Select); coding-DNA position 822, T replaced by A.
Protein change: p.Tyr274Ter; replaces tyrosine 274 with a stop codon.
Molecular consequence: nonsense.
Genome position (GRCh38, 1-based): chr18:31,334,019, T>A. VCF-style: chr18-31334019-T-A. GRCh37 (hg19) VCF-style: chr18-28913982-T-A.
Other names: short protein forms Y274*.
Identifiers: ClinVar variation 3717758 (VCV003717758.2).